The following is an entry in ClinVar:

NM_152393.4(KLHL40):c.601T>C (p.Trp201Arg)

Gene: KLHL40 (kelch like family member 40; plus strand). Cytogenetic location: 3p22.1.
Variant type: single nucleotide variant.
Coding change: c.601T>C on transcript NM_152393.4 (MANE Select); coding-DNA position 601, T replaced by C.
Protein change: p.Trp201Arg; replaces tryptophan 201 with arginine.
Molecular consequence: missense variant.
Genome position (GRCh38, 1-based): chr3:42,686,219, T>C. VCF-style: chr3-42686219-T-C. GRCh37 (hg19) VCF-style: chr3-42727711-T-C.
Other names: short protein forms W201R.
Identifiers: ClinVar variation 2069963 (VCV002069963.6), dbSNP rs772612538, ClinGen allele CA2336696.
Genomic context (GRCh38, chr3:42,686,219, plus strand): 5'-ATCTCCAGCGACGGCCTTAACGTGGAGAAGGAGGAGGCAGTGTTCGAGGCGGTGATGCGG[T>C]GGGCGGGTAGCGGCGACGCCGAGGCGCAGGCTGAGCGCCAGCGCGCGCTGCCCACCGTCT-3'
Protein context (NP_689606.2, residues 191-211): EEAVFEAVMR[Trp201Arg]AGSGDAEAQA

ClinVar aggregate classification (germline): Conflicting classifications of pathogenicity. Review status: criteria provided, conflicting classifications (1 of 4 stars). 3 submissions from 3 submitters: Likely pathogenic (1); Uncertain significance (2). Last evaluated 2025-08-23.

Conditions:
Nemaline myopathy 8 (NEM8). Also called: Nemaline myopathy 8, autosomal recessive. Identifiers: Orphanet 171430, MedGen C3809209, MONDO:0014138, OMIM 615348.

Allele frequency attached by ClinVar (database versions not stated): gnomAD 0.00001; ExAC 0.00003; TOPMed 0.00004.

Submissions (3):

Dasa
Classification: Uncertain significance. Last evaluated: 2025-08-23. Review status: criteria provided, single submitter. Criteria: DASA Assertion Criteria. Collection method: clinical testing. Allele origin: germline.
Comment: NM_152393.4(KLHL40):c.601T>C (p.Trp201Arg) is a missense variant that results in the substitution of tryptophan with arginine. The affected residue or protein region has prior evidence supporting clinical relevance. This variant is rare in population databases. Computational prediction algorithms are consistent with a deleterious effect. The currently available literature and clinical evidence are not sufficient to establish a definitive association between this variant and the reported condition. Therefore, this variant is classified as a variant of uncertain significance.

New York Genome Center
Classification: Likely pathogenic for Nemaline myopathy 8. Last evaluated: 2023-10-13. Review status: criteria provided, single submitter. Criteria: NYGC Assertion Criteria 2020. Collection method: clinical testing. Allele origin: inherited. Affected: yes. Observed: 1 variant allele, 1 compound heterozygote.
Comment: The c.601T>C p.(Trp201Arg) missense variant identified in the KLHL40 gene has not been reported in affected individuals in the literature and has been reported once in the ClinVar database as a variant of uncertain significance [Variation ID: 2069963]. The c.601T>C variant has 0.0027% minor allele frequency (14 heterozygotes out of ~519,000 alleles, 0 homozygotes) in population databases (gnomAD v2.1.1 and v3.1.2, and TOPMedFreeze 8), which is consistent with the expected allele frequency for an autosomal recessive disorder. The c.601T>C variant is located in the first exon of this 6-exon gene and is predicted to replace a highly conserved tryptophan residue with arginine at position 201 within the BTB/BACK domain of the encoded protein [PMID:23746549]. In silico predictions are in favor of the variant’s damaging effect [REVEL = 0.887]; however, functional studies to support or refute these predictions have not been reported. Additionally, substitution of the adjacent nucleotide resulting in a different missense variant [c.602G>T, p.(Trp201Leu)] affecting the same residueTrp201 has been reported in the literature as homozygous in three affected individuals from the same family [PMID: 23746549]. Based on the available evidence, the c.601T>C p.(Trp201Arg) missense variant identified in the KLHL40 gene is reported as Likely Pathogenic.

Labcorp Genetics (formerly Invitae), Labcorp
Classification: Uncertain significance for Nemaline myopathy 8. Last evaluated: 2022-01-17. Review status: criteria provided, single submitter. Criteria: Invitae Variant Classification Sherloc (09022015). Collection method: clinical testing. Allele origin: germline.
Comment: This sequence change replaces tryptophan, which is neutral and slightly polar, with arginine, which is basic and polar, at codon 201 of the KLHL40 protein (p.Trp201Arg). This variant is present in population databases (rs772612538, gnomAD 0.004%). This variant has not been reported in the literature in individuals affected with KLHL40-related conditions. Algorithms developed to predict the effect of missense changes on protein structure and function (SIFT, PolyPhen-2, Align-GVGD) all suggest that this variant is likely to be disruptive. This variant disrupts the p.Trp201 amino acid residue in KLHL40. Other variant(s) that disrupt this residue have been determined to be pathogenic (PMID: 23746549). This suggests that this residue is clinically significant, and that variants that disrupt this residue are likely to be disease-causing. In summary, the available evidence is currently insufficient to determine the role of this variant in disease. Therefore, it has been classified as a Variant of Uncertain Significance.

Literature cited by the submitters: PubMed 23746549 (cited by Labcorp Genetics (formerly Invitae), Labcorp).